The following is an entry in ClinVar:

ClinVar aggregate classification (germline): Uncertain significance (1 of 4 stars; one submission).

Conditions:
Inborn genetic diseases. Identifiers: MedGen C0950123, MeSH D030342.

Submission:

Ambry Genetics
Classification: Uncertain significance for Inborn genetic diseases. Last evaluated: 2026-03-02. Review status: criteria provided, single submitter. Criteria: Ambry Variant Classification Scheme 2023. Collection method: clinical testing. Allele origin: germline.
Comment: The c.2324A>C (p.Y775S) alteration is located in exon 20 (coding exon 20) of the KCNT2 gene. This alteration results from an A to C substitution at nucleotide position 2324, causing the tyrosine (Y) at amino acid position 775 to be replaced by a serine (S). This variant was not reported in population-based cohorts in the Genome Aggregation Database (gnomAD). This amino acid position is highly conserved in available vertebrate species. This alteration is predicted to be deleterious by in silico analysis. Based on insufficient or conflicting evidence, the clinical significance of this alteration remains unclear.

NM_198503.5(KCNT2):c.2324A>C (p.Tyr775Ser)

Gene: KCNT2 (potassium sodium-activated channel subfamily T member 2; minus strand). Cytogenetic location: 1q31.3.
Variant type: single nucleotide variant.
Coding change: c.2324A>C on transcript NM_198503.5 (MANE Select); coding-DNA position 2324, A replaced by C.
Protein change: p.Tyr775Ser; replaces tyrosine 775 with serine.
Molecular consequence: missense variant. On other transcripts: non-coding transcript variant (1), intron variant (2).
Genome position (GRCh38, 1-based): chr1:196,319,508, T>G on the plus strand (A>C on the coding strand, the complement: KCNT2 is on the minus strand). VCF-style: chr1-196319508-T-G. GRCh37 (hg19) VCF-style: chr1-196288638-T-G.
Other names: c.2127-3482A>C (NM_001287820.3); c.2277-3482A>C (NM_001287819.3); short protein forms Y775S.
Identifiers: ClinVar variation 4839975 (VCV004839975.1).
Genomic context (GRCh38, chr1:196,319,508, plus strand): 5'-TACACTAGTTAGTGTGCCAAAGATTTTGTCACCTACTTGTCAATAGAGCCCACCATGTAG[T>G]AAACCATTGGAAACCAACAGATTGCATCCAGAAAATGCATATCTGGCCTAAGTAGTAGAT-3'
Protein context (NP_940905.2, residues 765-785): LDAICWFPMV[Tyr775Ser]YMVGSIDNLD